The following is an entry in ClinVar:

NM_001034853.2(RPGR):c.2360del (p.Gly787fs)

Gene: RPGR (retinitis pigmentosa GTPase regulator; minus strand). Cytogenetic location: Xp11.4.
Variant type: Deletion.
Coding change: c.2360del on transcript NM_001034853.2 (MANE Select); coding-DNA position 2360, one base deleted (G; older notation c.2360delG).
Protein change: p.Gly787fs; shifts the reading frame from glycine 787.
Molecular consequence: frameshift variant. On other transcripts: intron variant (8).
Genome position (GRCh38, 1-based): chrX:38,286,639, C deleted on the plus strand (G on the coding strand, the reverse complement: RPGR is on the minus strand); the first of 2 consecutive C bases (chrX:38,286,639-38,286,640); deleting either gives the same sequence. VCF-style (leftmost placement, unchanged base first): chrX-38286638-TC-T. GRCh37 (hg19) VCF-style: chrX-38145891-TC-T.
Other names: c.1569+4320del (NM_001367249.1, NM_001367250.1); c.1902+455del (NM_001367245.1); c.1386+4320del (NM_001367251.1); c.1719+455del (NM_001367246.1); c.1572+4320del (NM_001367247.1); c.1905+455del (NM_000328.3); c.1602+4320del (NM_001367248.1); short protein forms G787fs.
Identifiers: ClinVar variation 2430145 (VCV002430145.4), dbSNP rs2519791671, ClinGen allele CA2580100922.

ClinVar aggregate classification (germline): Pathogenic. Review status: criteria provided, single submitter (1 of 4 stars). 2 submissions from 2 submitters: Pathogenic (1). 1 of the submissions does not count toward it. Last evaluated 2023-08-16.

Conditions:
X-linked cone-rod dystrophy. Identifiers: MedGen CN323387, MONDO:0021155.
Primary ciliary dyskinesia. Also called: Ciliary dyskinesia. Identifiers: Orphanet 244, MedGen C0008780, MONDO:0016575, HP:0012265.

Submissions (2):

Labcorp Genetics (formerly Invitae), Labcorp
Classification: Pathogenic for Primary ciliary dyskinesia. Last evaluated: 2023-08-16. Review status: criteria provided, single submitter. Criteria: Invitae Variant Classification Sherloc (09022015). Collection method: clinical testing. Allele origin: germline.
Comment: ClinVar contains an entry for this variant (Variation ID: 2430145). This sequence change creates a premature translational stop signal (p.Gly787Glufs*28) in the RPGR (ORF15) gene. While this is not anticipated to result in nonsense mediated decay, it is expected to disrupt the last 366 amino acid(s) of the RPGR (ORF15) protein. This variant is not present in population databases (gnomAD no frequency). This variant has not been reported in the literature in individuals affected with RPGR (ORF15)-related conditions. This variant disrupts a region of the RPGR (ORF15) protein in which other variant(s) (p.Leu1130Lysfs*13) have been determined to be pathogenic (PMID: 22264887; Invitae). This suggests that this is a clinically significant region of the protein, and that variants that disrupt it are likely to be disease-causing. For these reasons, this variant has been classified as Pathogenic.

Genetic Eye Disease Investigation Unit, University of Auckland
Classification: Likely pathogenic for X-LINKED ROD CONE DYSTROPHY. Last evaluated: 2023-01-03. Review status: no assertion criteria provided. Collection method: clinical testing. Allele origin: maternal. Affected: yes. Observed: 14 variant alleles. Clinical features observed: Rod-cone dystrophy (HP:0000510). Not counted in ClinVar's aggregate classification.
Comment: 3 affected females

Literature cited by the submitters: PubMed 22264887 (cited by Labcorp Genetics (formerly Invitae), Labcorp).